The following is an entry in ClinVar:

NM_032119.4(ADGRV1):c.328G>A (p.Glu110Lys)

Gene: ADGRV1 (adhesion G protein-coupled receptor V1; plus strand). Cytogenetic location: 5q14.3.
Variant type: single nucleotide variant.
Coding change: c.328G>A on transcript NM_032119.4 (MANE Select); coding-DNA position 328, G replaced by A.
Protein change: p.Glu110Lys; replaces glutamic acid 110 with lysine.
Molecular consequence: missense variant. On other transcripts: non-coding transcript variant (1).
Genome position (GRCh38, 1-based): chr5:90,617,924, G>A. VCF-style: chr5-90617924-G-A. GRCh37 (hg19) VCF-style: chr5-89913741-G-A.
Other names: short protein forms E110K.
Identifiers: ClinVar variation 228717 (VCV000228717.15), dbSNP rs876657822, ClinGen allele CA10576659.

ClinVar aggregate classification (germline): Conflicting classifications of pathogenicity. Review status: criteria provided, conflicting classifications (1 of 4 stars). 3 submissions from 3 submitters: Uncertain significance (2); Likely benign (1). Last evaluated 2025-12-30.

Allele frequency attached by ClinVar (database versions not stated): gnomAD 0.00001; gnomAD exomes 0.00001; TOPMed 0.00002.
gnomAD v4.1: 12 of 1,584,576 alleles (0.00076%); highest among the groups gnomAD compares: Admixed American, 0.013%; no homozygotes.

Submissions (3):

Labcorp Genetics (formerly Invitae), Labcorp
Classification: Likely benign. Last evaluated: 2025-12-30. Review status: criteria provided, single submitter. Criteria: Invitae Variant Classification Sherloc (09022015). Collection method: clinical testing. Allele origin: germline.

GeneDx
Classification: Uncertain significance. Last evaluated: 2024-01-25. Review status: criteria provided, single submitter. Criteria: GeneDx Variant Classification Process June 2021. Collection method: clinical testing. Allele origin: germline. Affected: yes.
Comment: In silico analysis supports that this missense variant has a deleterious effect on protein structure/function; Has not been previously published as pathogenic or benign to our knowledge

Laboratory for Molecular Medicine, Mass General Brigham Personalized Medicine
Classification: Uncertain significance. Last evaluated: 2015-11-09. Review status: criteria provided, single submitter. Criteria: LMM Criteria. Collection method: clinical testing. Allele origin: germline. Observed: 2 variant alleles.
Comment: The p.Glu110Lys variant in GPR98 has not been previously reported in individuals with hearing loss and was absent from large population studies. Computational p rediction tools and conservation analyses suggest that the p.Glu110Lys variant m ay impact the protein, though this information is not predictive enough to deter mine pathogenicity. In summary, the clinical significance of the p.Glu110Lys var iant is uncertain.